The following is an entry in ClinVar:

ClinVar aggregate classification (germline): Pathogenic (1 of 4 stars; one submission).

Submission:

Labcorp Genetics (formerly Invitae), Labcorp
Classification: Pathogenic. Last evaluated: 2024-02-23. Review status: criteria provided, single submitter. Criteria: Invitae Variant Classification Sherloc (09022015). Collection method: clinical testing. Allele origin: germline.
Comment: This sequence change creates a premature translational stop signal (p.Asn699Ilefs*12) in the PCNT gene. It is expected to result in an absent or disrupted protein product. Loss-of-function variants in PCNT are known to be pathogenic (PMID: 18174396, 22821869). This variant is not present in population databases (gnomAD no frequency). This variant has not been reported in the literature in individuals affected with PCNT-related conditions. For these reasons, this variant has been classified as Pathogenic.

Literature cited by the submitters: PubMed 18174396; PubMed 22821869.

NM_006031.6(PCNT):c.2096_2102del (p.Asn699fs)

Gene: PCNT (pericentrin; plus strand). Cytogenetic location: 21q22.3.
Variant type: Microsatellite.
Coding change: c.2096_2102del on transcript NM_006031.6 (MANE Select); coding-DNA positions 2096 to 2102, 7 bases deleted (ATAGAAA; older notation c.2096_2102delATAGAAA).
Protein change: p.Asn699fs; shifts the reading frame from asparagine 699.
Molecular consequence: frameshift variant.
Genome position (GRCh38, 1-based): chr21:46,357,133-46,357,139, ATAGAAA deleted; deleting any 7 consecutive bases within chr21:46,357,123-46,357,139 gives the same sequence; the c. name uses the placement nearest the transcript's 3' end. VCF-style (leftmost placement, unchanged base first): chr21-46357122-AAAAATAG-A. GRCh37 (hg19) VCF-style: chr21-47777037-AAAAATAG-A.
Other names: c.1742_1748del, p.Asn581fs (NM_001315529.2); short protein forms N581fs, N699fs.
Identifiers: ClinVar variation 2696056 (VCV002696056.3), dbSNP rs2518153329, ClinGen allele CA2697547655.